The following is an entry in ClinVar:

ClinVar aggregate classification (germline): Pathogenic. Review status: criteria provided, multiple submitters, no conflicts (2 of 4 stars). 13 submissions from 13 submitters: Pathogenic (13). Last evaluated 2025-12-15.

Conditions:
Charlevoix-Saguenay spastic ataxia (SACS). Also called: SPASTIC ATAXIA 6, AUTOSOMAL RECESSIVE; Spastic ataxia of Charlevoix-Saguenay; AUTOSOMAL RECESSIVE SPASTIC ATAXIA OF CHARLEVOIX-SAGUENAY. Identifiers: Orphanet 98, MedGen C1849140, MONDO:0010041, OMIM 270550.
Inborn genetic diseases. Identifiers: MedGen C0950123, MeSH D030342.
SACS-related disorder. Also called: SACS-related condition.
Spastic paraplegia. Identifiers: MedGen C0037772, HP:0001258.
Hereditary spastic paraplegia. Also called: Familial spastic paraparesis. Identifiers: Orphanet 685, MedGen C0037773, MONDO:0019064. Disease mechanism: loss of function.

Submissions (13):

Natera, Inc.
Classification: Pathogenic for Charlevoix-Saguenay type spastic ataxia. Last evaluated: 2025-12-15. Review status: criteria provided, single submitter. Criteria: Natera Variant Classification Schema (03/2026). Collection method: clinical testing. Allele origin: germline.
Comment: The c.5151dupA variant in SACS is a frameshift variant predicted to shift the reading frame beginning at codon 1718 and leads to a stop codon 20 codons downstream. This variant is expected to result in nonsense mediated decay, truncation, or a dysfunctional protein product. This variant is rare in the general population with a frequency below the threshold expected for the associated phenotype(s). This variant has been observed in one or more individuals affected with the associated recessive disease, as either homozygous or compound heterozygous with a second variant (PMID: 24108619). Given the available evidence, this variant is classified as Pathogenic.

Labcorp Genetics (formerly Invitae), Labcorp
Classification: Pathogenic for Spastic paraplegia. Last evaluated: 2025-10-27. Review status: criteria provided, single submitter. Criteria: Invitae Variant Classification Sherloc (09022015). Collection method: clinical testing. Allele origin: germline.
Comment: This sequence change creates a premature translational stop signal (p.Ser1718Ilefs*20) in the SACS gene. While this is not anticipated to result in nonsense mediated decay, it is expected to disrupt the last 2862 amino acid(s) of the SACS protein. The frequency data for this variant in the population databases is considered unreliable, as metrics indicate poor data quality at this position in the gnomAD database. This premature translational stop signal has been observed in individuals with SACS-related conditions (PMID: 23123642, 24108619, 28658401, 29538656). It has also been observed to segregate with disease in related individuals. ClinVar contains an entry for this variant (Variation ID: 448205). For these reasons, this variant has been classified as Pathogenic.

PreventionGenetics, part of Exact Sciences
Classification: Pathogenic for SACS-related condition. Last evaluated: 2025-08-29. Review status: criteria provided, single submitter. Criteria: ACMG Guidelines, 2015. Collection method: clinical testing. Allele origin: germline.
Comment: The SACS c.5151dupA variant is predicted to result in a frameshift and premature protein termination (p.Ser1718Ilefs*20). This variant has been reported in the homozygous and compound heterozygous states in multiple individuals with spastic ataxia of Charlevoix-Saguenay (SACS) (Stevens et al. 2012. PubMed ID: 23123642; Sawyer et al. 2014. PubMed ID: 24108619; Burguêz et al. 2017. PubMed ID: 28658401). This variant is reported in 0.011% of alleles in individuals of South Asian descent in gnomAD. Frameshift variants in SACS are expected to be pathogenic. This variant is interpreted as pathogenic.

Fulgent Genetics
Classification: Pathogenic for Charlevoix-Saguenay spastic ataxia. Last evaluated: 2024-04-15. Review status: criteria provided, single submitter. Criteria: ACMG Guidelines, 2015. Collection method: clinical testing. Allele origin: germline.

Institute of Human Genetics, University of Leipzig Medical Center
Classification: Pathogenic for Charlevoix-Saguenay spastic ataxia. Last evaluated: 2024-02-28. Review status: criteria provided, single submitter. Criteria: ACMG Guidelines, 2015. Collection method: clinical testing. Allele origin: maternal. Inheritance: Autosomal recessive inheritance. Affected: yes.
Comment: Criteria applied: PVS1,PM3_STR,PM2_SUP

Baylor Genetics
Classification: Pathogenic for Charlevoix-Saguenay spastic ataxia. Last evaluated: 2023-11-03. Review status: criteria provided, single submitter. Criteria: ACMG Guidelines, 2015. Collection method: clinical testing. Allele origin: unknown.

PROSPAX: an integrated multimodal progression  chart in spastic ataxias, Center for Neurology; Hertie-Institute for Clinical Brain Research
Classification: Pathogenic for Charlevoix-Saguenay spastic ataxia. Last evaluated: 2022-01-01. Review status: criteria provided, single submitter. Criteria: ACMG Guidelines, 2015. Collection method: research. Allele origin: germline. Affected: yes.

Genome-Nilou Lab
Classification: Pathogenic for Charlevoix-Saguenay spastic ataxia. Last evaluated: 2021-09-05. Review status: criteria provided, single submitter. Criteria: ACMG Guidelines, 2015. Collection method: clinical testing. Allele origin: germline. Affected: no.

Ambry Genetics
Classification: Pathogenic for Inborn genetic diseases. Last evaluated: 2021-07-02. Review status: criteria provided, single submitter. Criteria: Ambry Variant Classification Scheme 2023. Collection method: clinical testing. Allele origin: germline.
Comment: The c.5151dupA (p.S1718Ifs*20) alteration, located in exon 10 (coding exon 9) of the SACS gene, consists of a duplication of A at position 5151, causing a translational frameshift with a predicted alternate stop codon after 20 amino acids. This alteration occurs at the 3' terminus of the SACS gene, is not expected to trigger nonsense-mediated mRNA decay, and impacts the last 62.4% (2861/4579 amino acids) of the protein. However, premature stop codons are typically deleterious in nature, the impacted region is critical for protein function, and a significant portion of the protein is affected (Ambry internal data). This mutation has been reported in the homozygous and compound heterozygous states in patients with spasticity, ataxia, and additional features consistent with spastic ataxia of Charlevoix-Saguenay (Stevens, 2013; Sawyer, 2014; Burgu&ecirc;z, 2017; Parkinson, 2018). Based on the available evidence, this alteration is classified as pathogenic.

CeGaT Center for Human Genetics Tuebingen
Classification: Pathogenic. Last evaluated: 2021-07-01. Review status: criteria provided, single submitter. Criteria: CeGaT Center For Human Genetics Tuebingen Variant Classification Criteria Version 2. Collection method: clinical testing. Allele origin: germline. Affected: yes. Observed: 1 variant allele.

Genome Diagnostics Laboratory, The Hospital for Sick Children
Classification: Pathogenic for Hereditary spastic paraplegia. Last evaluated: 2017-01-13. Review status: criteria provided, single submitter. Criteria: ACMG Guidelines, 2015. Collection method: clinical testing. Allele origin: germline. Affected: yes.

Athena Diagnostics
Classification: Pathogenic. Last evaluated: 2015-11-23. Review status: criteria provided, single submitter. Criteria: Athena Diagnostics Criteria. Collection method: clinical testing. Allele origin: germline.

Paris Brain Institute, Inserm - ICM
Classification: Pathogenic for Charlevoix-Saguenay spastic ataxia. Review status: criteria provided, single submitter. Criteria: ACMG Guidelines, 2015. Collection method: clinical testing. Allele origin: unknown. Affected: yes. Observed: 2 variant alleles.

Literature cited by the submitters: PubMed 24108619 (cited by 4 submitters); PubMed 23123642 (cited by 3 submitters); PubMed 28658401 (cited by Labcorp Genetics (formerly Invitae), Labcorp and Ambry Genetics); PubMed 29538656 (cited by Labcorp Genetics (formerly Invitae), Labcorp and Ambry Genetics).

NM_014363.6(SACS):c.5151dup (p.Ser1718fs)

Gene: SACS (sacsin molecular chaperone; minus strand). Cytogenetic location: 13q12.12.
Variant type: Duplication.
Coding change: c.5151dup on transcript NM_014363.6 (MANE Select); coding-DNA position 5151, one base duplicated (A; older notation c.5151dupA).
Protein change: p.Ser1718fs; shifts the reading frame from serine 1718.
Molecular consequence: frameshift variant.
Genome position (GRCh38, 1-based): chr13:23,338,725, T duplicated on the plus strand (A on the coding strand, the reverse complement: SACS is on the minus strand); the first of 9 consecutive T bases (chr13:23,338,725-23,338,733); duplicating any one gives the same sequence. VCF-style (leftmost placement, unchanged base first): chr13-23338724-A-AT. GRCh37 (hg19) VCF-style: chr13-23912863-A-AT.
Other names: c.4710dup, p.Ser1571fs (NM_001278055.2); c.5151_5152insA (NM_014363.5); c.5151dupA (NM_014363.4, NM_014363.5, NM_014363.6); short protein forms S1718fs, S1571fs.
Identifiers: ClinVar variation 448205 (VCV000448205.58), dbSNP rs754439135, ClinGen allele CA6911291.